The following is an entry in ClinVar:

NM_004304.5(ALK):c.2728A>C (p.Met910Leu)

Gene: ALK (ALK receptor tyrosine kinase; minus strand). Cytogenetic location: 2p23.2.
Variant type: single nucleotide variant.
Coding change: c.2728A>C on transcript NM_004304.5 (MANE Select); coding-DNA position 2728, A replaced by C.
Protein change: p.Met910Leu; replaces methionine 910 with leucine.
Molecular consequence: missense variant.
Genome position (GRCh38, 1-based): chr2:29,228,971, T>G on the plus strand (A>C on the coding strand, the complement: ALK is on the minus strand). VCF-style: chr2-29228971-T-G. GRCh37 (hg19) VCF-style: chr2-29451837-T-G.
Other names: short protein forms M910L.
Identifiers: ClinVar variation 3223845 (VCV003223845.1), dbSNP rs1558627445, ClinGen allele CA346469810.

ClinVar aggregate classification (germline): Uncertain significance (1 of 4 stars; one submission).

Conditions:
Hereditary cancer-predisposing syndrome. Also called: Tumor predisposition; Hereditary neoplastic syndrome; Hereditary Cancer Syndrome; Neoplastic Syndromes, Hereditary. Identifiers: Orphanet 140162, MedGen C0027672, MeSH D009386, MONDO:0015356.

Submission:

Ambry Genetics
Classification: Uncertain significance for Hereditary cancer-predisposing syndrome. Last evaluated: 2023-12-23. Review status: criteria provided, single submitter. Criteria: Ambry Variant Classification Scheme 2023. Collection method: clinical testing. Allele origin: germline.
Comment: The p.M910L variant (also known as c.2728A>C), located in coding exon 16 of the ALK gene, results from an A to C substitution at nucleotide position 2728. The methionine at codon 910 is replaced by leucine, an amino acid with highly similar properties. This amino acid position is conserved. In addition, this alteration is predicted to be tolerated by in silico analysis. Since supporting evidence is limited at this time, the clinical significance of this alteration remains unclear.